The following is an entry in ClinVar:

ClinVar aggregate classification (germline): Uncertain significance. Review status: criteria provided, multiple submitters, no conflicts (2 of 4 stars). 2 submissions from 2 submitters: Uncertain significance (2). Last evaluated 2025-11-18.

Conditions:
Hereditary pheochromocytoma and paraganglioma. Also called: Hereditary pheochromocytoma-paraganglioma; Hereditary paragangliomas and pheochromocytomas; Hereditary Paraganglioma-Pheochromocytoma Syndromes. Identifiers: Orphanet 29072, MedGen C4274332, MONDO:0017366.
Hereditary cancer-predisposing syndrome. Also called: Hereditary Cancer Syndrome; Tumor predisposition; Neoplastic Syndromes, Hereditary; Hereditary neoplastic syndrome. Identifiers: Orphanet 140162, MedGen C0027672, MeSH D009386, MONDO:0015356.

Allele frequency attached by ClinVar (database versions not stated): gnomAD exomes below 0.00001; TOPMed below 0.00001; ExAC 0.00001.
gnomAD v4.1: 3 of 1,613,986 alleles (0.00019%); highest among the groups gnomAD compares: Non-Finnish European, 0.00025%; no homozygotes.

Submissions (2):

Labcorp Genetics (formerly Invitae), Labcorp
Classification: Uncertain significance for Hereditary pheochromocytoma and paraganglioma. Last evaluated: 2025-11-18. Review status: criteria provided, single submitter. Criteria: Invitae Variant Classification Sherloc (09022015). Collection method: clinical testing. Allele origin: germline.
Comment: This sequence change replaces proline, which is neutral and non-polar, with threonine, which is neutral and polar, at codon 112 of the SDHAF2 protein (p.Pro112Thr). This variant is present in population databases (rs758481098, gnomAD 0.0009%). This variant has not been reported in the literature in individuals affected with SDHAF2-related conditions. ClinVar contains an entry for this variant (Variation ID: 861868). An algorithm developed to predict the effect of missense changes on protein structure and function (PolyPhen-2) suggests that this variant is likely to be disruptive. In summary, the available evidence is currently insufficient to determine the role of this variant in disease. Therefore, it has been classified as a Variant of Uncertain Significance.

Ambry Genetics
Classification: Uncertain significance for Hereditary cancer-predisposing syndrome. Last evaluated: 2023-04-16. Review status: criteria provided, single submitter. Criteria: Ambry Variant Classification Scheme 2023. Collection method: clinical testing. Allele origin: germline.
Comment: The p.P112T variant (also known as c.334C>A), located in coding exon 3 of the SDHAF2 gene, results from a C to A substitution at nucleotide position 334. The proline at codon 112 is replaced by threonine, an amino acid with highly similar properties. This amino acid position is conserved. In addition, the in silico prediction for this alteration is inconclusive. Since supporting evidence is limited at this time, the clinical significance of this alteration remains unclear.

NM_017841.4(SDHAF2):c.334C>A (p.Pro112Thr)

Gene: SDHAF2 (succinate dehydrogenase complex assembly factor 2; plus strand). Cytogenetic location: 11q12.2.
Variant type: single nucleotide variant.
Coding change: c.334C>A on transcript NM_017841.4 (MANE Select); coding-DNA position 334, C replaced by A.
Protein change: p.Pro112Thr; replaces proline 112 with threonine.
Molecular consequence: missense variant.
Genome position (GRCh38, 1-based): chr11:61,438,077, C>A. VCF-style: chr11-61438077-C-A. GRCh37 (hg19) VCF-style: chr11-61205549-C-A.
Other names: short protein forms P112T.
Identifiers: ClinVar variation 861868 (VCV000861868.11), dbSNP rs758481098, ClinGen allele CA058490.